The following is an entry in ClinVar:

NM_001042681.2(RERE):c.1145G>A (p.Arg382His)

Gene: RERE (arginine-glutamic acid dipeptide repeats; minus strand). Cytogenetic location: 1p36.23.
Variant type: single nucleotide variant.
Coding change: c.1145G>A on transcript NM_001042681.2 (MANE Select); coding-DNA position 1145, G replaced by A.
Protein change: p.Arg382His; replaces arginine 382 with histidine.
Molecular consequence: missense variant.
Genome position (GRCh38, 1-based): chr1:8,465,983, C>T on the plus strand (G>A on the coding strand, the complement: RERE is on the minus strand). VCF-style: chr1-8465983-C-T. GRCh37 (hg19) VCF-style: chr1-8526043-C-T.
Other names: c.1145G>A, p.Arg382His (NM_012102.4); short protein forms R382H.
Identifiers: ClinVar variation 3572544 (VCV003572544.2).
Genomic context (GRCh38, chr1:8,465,983, plus strand): 5'-ACCACTTCGTCCTCGGTCCAGCACTTCTCGATGAGCTTGGGCACAGGCTTCTTCACCAGG[C>T]GCTGCAGGGCTTTGCCAGCATCGTAACCGCTTTCATGCAGCTAAAACAACAACAATTATA-3'
Protein context (NP_001036146.1, residues 372-392): SGYDAGKALQ[Arg382His]LVKKPVPKLI

ClinVar aggregate classification (germline): Uncertain significance. Review status: criteria provided, multiple submitters, no conflicts (2 of 4 stars). 2 submissions from 2 submitters: Uncertain significance (2). Last evaluated 2025-11-09.

gnomAD v4.1: 8 of 1,613,634 alleles (0.0005%); highest among the groups gnomAD compares: East Asian, 0.011%; no homozygotes.

Submissions (2):

Labcorp Genetics (formerly Invitae), Labcorp
Classification: Uncertain significance. Last evaluated: 2025-11-09. Review status: criteria provided, single submitter. Criteria: Invitae Variant Classification Sherloc (09022015). Collection method: clinical testing. Allele origin: germline.
Comment: This sequence change replaces arginine, which is basic and polar, with histidine, which is basic and polar, at codon 382 of the RERE protein (p.Arg382His). This variant is present in population databases (rs780187350, gnomAD 0.01%). This variant has not been reported in the literature in individuals affected with RERE-related conditions. ClinVar contains an entry for this variant (Variation ID: 3572544). Invitae Evidence Modeling of protein sequence and biophysical properties (such as structural, functional, and spatial information, amino acid conservation, physicochemical variation, residue mobility, and thermodynamic stability) has been performed for this missense variant. However, the output from this modeling did not meet the statistical confidence thresholds required to predict the impact of this variant on RERE protein function. In summary, the available evidence is currently insufficient to determine the role of this variant in disease. Therefore, it has been classified as a Variant of Uncertain Significance.

GeneDx
Classification: Uncertain significance. Last evaluated: 2024-07-10. Review status: criteria provided, single submitter. Criteria: GeneDx Variant Classification Process June 2021. Collection method: clinical testing. Allele origin: germline. Affected: yes.
Comment: In silico analysis indicates that this missense variant does not alter protein structure/function; Has not been previously published as pathogenic or benign to our knowledge